The following is an entry in ClinVar:

NM_000256.3(MYBPC3):c.688del (p.Gln230fs)

Gene: MYBPC3 (myosin binding protein C3; minus strand). Cytogenetic location: 11p11.2.
Variant type: Deletion.
Coding change: c.688del on transcript NM_000256.3 (MANE Select); coding-DNA position 688, one base deleted (C; older notation c.688delC).
Protein change: p.Gln230fs; shifts the reading frame from glutamine 230.
Molecular consequence: frameshift variant.
Genome position (GRCh38, 1-based): chr11:47,348,508, G deleted on the plus strand (C on the coding strand, the reverse complement: MYBPC3 is on the minus strand); the first of 3 consecutive G bases (chr11:47,348,508-47,348,510); deleting any one gives the same sequence. VCF-style (leftmost placement, unchanged base first): chr11-47348507-TG-T. GRCh37 (hg19) VCF-style: chr11-47370058-TG-T.
Other names: c.688delC (NM_000256.3); short protein forms Q230fs.
Identifiers: ClinVar variation 1175163 (VCV001175163.5), dbSNP rs2142866326, ClinGen allele CA2499220986.

ClinVar aggregate classification (germline): Pathogenic. Review status: criteria provided, single submitter (1 of 4 stars). 3 submissions from 3 submitters: Pathogenic (1). 2 of the submissions do not count toward it. Last evaluated 2025-02-05.

Conditions:
Cardiovascular phenotype. Identifiers: MedGen CN230736.

Submissions (3):

Ambry Genetics
Classification: Pathogenic for Cardiovascular phenotype. Last evaluated: 2025-02-05. Review status: criteria provided, single submitter. Criteria: Ambry Variant Classification Scheme 2023. Collection method: clinical testing. Allele origin: germline.
Comment: The c.688delC pathogenic mutation, located in coding exon 6 of the MYBPC3 gene, results from a deletion of one nucleotide at nucleotide position 688, causing a translational frameshift with a predicted alternate stop codon (p.Q230Sfs*70). This variant was reported in individual(s) with features consistent with hypertrophic cardiomyopathy (van Velzen HG et al. Circ Genom Precis Med, 2018 Apr;11:e001896; Helms AS et al. Circ Genom Precis Med, 2020 Oct;13:396-405; Harper AR et al. Nat Genet, 2021 Feb;53:135-142; Nollet EE et al. Circ Genom Precis Med, 2024 Jun;17:e004369). This variant is considered to be rare based on population cohorts in the Genome Aggregation Database (gnomAD). This alteration is expected to result in loss of function by premature protein truncation or nonsense-mediated mRNA decay. As such, this alteration is interpreted as a disease-causing mutation.

Clinical Genetics DNA and cytogenetics Diagnostics Lab, Erasmus MC, Erasmus Medical Center
Classification: Pathogenic. Review status: no assertion criteria provided. Collection method: clinical testing. Allele origin: germline. Affected: yes. Study: VKGL Data-share Consensus. Not counted in ClinVar's aggregate classification.

Diagnostic Laboratory, Department of Genetics, University Medical Center Groningen
Classification: Pathogenic. Review status: no assertion criteria provided. Collection method: clinical testing. Allele origin: germline. Affected: yes. Study: VKGL Data-share Consensus. Not counted in ClinVar's aggregate classification.

Literature cited by the submitters: PubMed 29661763 (cited by Ambry Genetics); PubMed 32841044 (cited by Ambry Genetics); PubMed 33495597 (cited by Ambry Genetics); PubMed 38853772 (cited by Ambry Genetics).